The following is an entry in ClinVar:

ClinVar aggregate classification (germline): Conflicting classifications of pathogenicity. Review status: criteria provided, conflicting classifications (1 of 4 stars). 10 submissions from 9 submitters: Uncertain significance (9); Likely benign (1). Last evaluated 2026-06-30.

Conditions:
Polymerase proofreading-related adenomatous polyposis. Also called: Polymerase proofreading associated polyposis; Polymerase proofreading–associated polyposis (PPAP). Identifiers: Orphanet 447877, MedGen C5202613, MONDO:0018653.
POLE-related disorder. Also called: POLE-related disorders; POLE-related condition.
Intrauterine growth retardation, metaphyseal dysplasia, adrenal hypoplasia congenita, genital anomalies, and immunodeficiency. Also called: IMAGEI SYNDROME. Identifiers: MedGen C5193036, MONDO:0032684, OMIM 618336.
Facial dysmorphism-immunodeficiency-livedo-short stature syndrome. Also called: Facial dysmorphism, immunodeficiency, livedo, and short stature; FILS syndrome. Identifiers: Orphanet 352712, MedGen C3554576, MONDO:0014058, OMIM 615139.
Colorectal cancer, susceptibility to, 12 (CRCS12). Also called: COLORECTAL CANCER, SUSCEPTIBILITY TO, ON CHROMOSOME 12q24. Identifiers: Orphanet 220460, MedGen C3554460, MONDO:0014038, OMIM 615083.
Hereditary cancer-predisposing syndrome. Also called: Neoplastic Syndromes, Hereditary; Hereditary neoplastic syndrome; Hereditary Cancer Syndrome; Tumor predisposition. Identifiers: Orphanet 140162, MedGen C0027672, MeSH D009386, MONDO:0015356.

Allele frequency attached by ClinVar (database versions not stated): gnomAD exomes 0.00001 and 0.00004; ExAC 0.00005; gnomAD 0.00012 and 0.00014; TOPMed 0.00014; ESP Exome Variant Server 0.00023; 1000 Genomes Project 30x 0.00031; 1000 Genomes Project 0.00040.

Submissions (10):

PreventionGenetics, part of Exact Sciences
Classification: Uncertain significance for POLE-related condition. Last evaluated: 2026-06-30. Review status: criteria provided, single submitter. Criteria: ACMG Guidelines, 2015. Collection method: clinical testing. Allele origin: germline.
Comment: The POLE c.1064A>G variant is predicted to result in the amino acid substitution p.Lys355Arg. To our knowledge, this variant has not been reported in the literature. This variant is reported in 0.048% of alleles in individuals of African descent in gnomAD and has conflicting interpretations ranging from uncertain significance to likely benign in the ClinVar database (Variation ID: 240374). Although we suspect that this variant may be benign, at this time, the clinical significance of this variant is uncertain due to the absence of conclusive functional and genetic evidence.

Labcorp Genetics (formerly Invitae), Labcorp
Classification: Uncertain significance. Last evaluated: 2026-01-19. Review status: criteria provided, single submitter. Criteria: Invitae Variant Classification Sherloc (09022015). Collection method: clinical testing. Allele origin: germline.
Comment: This sequence change replaces lysine, which is basic and polar, with arginine, which is basic and polar, at codon 355 of the POLE protein (p.Lys355Arg). This variant is present in population databases (rs141396559, gnomAD 0.05%). This variant has not been reported in the literature in individuals affected with POLE-related conditions. ClinVar contains an entry for this variant (Variation ID: 240374). Invitae Evidence Modeling of protein sequence and biophysical properties (such as structural, functional, and spatial information, amino acid conservation, physicochemical variation, residue mobility, and thermodynamic stability) indicates that this missense variant is not expected to disrupt POLE protein function with a negative predictive value of 80%. In summary, the available evidence is currently insufficient to determine the role of this variant in disease. Therefore, it has been classified as a Variant of Uncertain Significance.

GeneDx
Classification: Uncertain significance. Last evaluated: 2024-10-29. Review status: criteria provided, single submitter. Criteria: GeneDx Variant Classification Process June 2021. Collection method: clinical testing. Allele origin: germline. Affected: yes.
Comment: Has not been previously published as pathogenic or benign to our knowledge; In silico analysis indicates that this missense variant does not alter protein structure/function; This variant is associated with the following publications: (PMID: 20951805)

Baylor Genetics
Classification: Uncertain significance for Colorectal cancer, susceptibility to, 12. Last evaluated: 2024-03-25. Review status: criteria provided, single submitter. Criteria: ACMG Guidelines, 2015. Collection method: clinical testing. Allele origin: unknown.

St. Jude Molecular Pathology, St. Jude Children's Research Hospital
Classification: Uncertain significance for Colorectal cancer, susceptibility to, 12. Last evaluated: 2024-03-15. Review status: criteria provided, single submitter. Criteria: St. Jude Assertion Criteria 2020. Collection method: clinical testing. Allele origin: germline.
Comment: The POLE c.1064A>G (p.Lys355Arg) missense change has a maximum subpopulation frequency of 0.05% in gnomAD v2.1.1. The in silico tool REVEL predicts a benign effect on protein function, but this prediction has not been confirmed by functional studies. This variant has not been reported in the literature in individuals with POLE-related disease. In summary, the evidence currently available is insufficient to determine the clinical significance of this variant. It has therefore been classified as of uncertain significance.

Fulgent Genetics
Classification: Uncertain significance for Colorectal cancer, susceptibility to, 12; Facial dysmorphism-immunodeficiency-livedo-short stature syndrome; Intrauterine growth retardation, metaphyseal dysplasia, adrenal hypoplasia congenita, genital anomalies, and immunodeficiency. Last evaluated: 2024-02-18. Review status: criteria provided, single submitter. Criteria: ACMG Guidelines, 2015. Collection method: clinical testing. Allele origin: germline.

Ambry Genetics
Classification: Likely benign for Hereditary cancer-predisposing syndrome. Last evaluated: 2024-01-23. Review status: criteria provided, single submitter. Criteria: Ambry Variant Classification Scheme 2023. Collection method: clinical testing. Allele origin: germline.

Department of Pathology and Laboratory Medicine, Sinai Health System
Classification: Uncertain significance for Polymerase proofreading-related adenomatous polyposis. Last evaluated: 2021-10-22. Review status: criteria provided, single submitter. Criteria: ACMG Guidelines, 2015. Collection method: clinical testing. Allele origin: germline. Affected: yes.

Division of Medical Genetics, University of Washington
Classification: Uncertain significance for Colorectal cancer, susceptibility to, 12. Last evaluated: 2020-05-05. Review status: criteria provided, single submitter. Criteria: ACMG Guidelines, 2015. Collection method: clinical testing. Allele origin: germline. Affected: no. Study: CSER_CHARM.
Comment: To our knowledge, this sequence variant has not been previously reported in the literature. This variant has an overall allele frequency of 0.00005 in the Broad Institute gnomAD Browser, and is more common in populations of African ancestry. This variant is in the exonuclease domain of the protein where other pathogenic sequence variants have been found. In silico analyses indicate that this variant may not alter protein structure/function. Thus, it is unknown at this time whether this variant increases cancer risk. BP4; PM1

Fulgent Genetics
Classification: Uncertain significance for Colorectal cancer, susceptibility to, 12; Facial dysmorphism-immunodeficiency-livedo-short stature syndrome. Last evaluated: 2018-10-31. Review status: criteria provided, single submitter. Criteria: ACMG Guidelines, 2015. Collection method: clinical testing. Allele origin: unknown.

NM_006231.4(POLE):c.1064A>G (p.Lys355Arg)

Gene: POLE (DNA polymerase epsilon, catalytic subunit; minus strand). Cytogenetic location: 12q24.33.
Variant type: single nucleotide variant.
Coding change: c.1064A>G on transcript NM_006231.4 (MANE Select); coding-DNA position 1064, A replaced by G.
Protein change: p.Lys355Arg; replaces lysine 355 with arginine.
Molecular consequence: missense variant.
Genome position (GRCh38, 1-based): chr12:132,675,777, T>C on the plus strand (A>G on the coding strand, the complement: POLE is on the minus strand). VCF-style: chr12-132675777-T-C. GRCh37 (hg19) VCF-style: chr12-133252363-T-C.
Other names: short protein forms K355R.
Identifiers: ClinVar variation 240374 (VCV000240374.28), dbSNP rs141396559, ClinGen allele CA6894093.
Genomic context (GRCh38, chr12:132,675,777, plus strand): 5'-GAGAAGACACAGACTCACCAGTCAAAAAAGTCCCCGTTGTAGGTGACCATGATGGTGGGT[T>C]TGGTCTCCTGGACGTGTTCAAACCACCTTTGGATCAGATGAGCCTGAACCCAAGTCACAG-3'
Protein context (NP_006222.2, residues 345-365): QRWFEHVQET[Lys355Arg]PTIMVTYNGD